The following is an entry in ClinVar:

NM_004064.5(CDKN1B):c.512A>G (p.Glu171Gly)

Gene: CDKN1B (cyclin dependent kinase inhibitor 1B; plus strand). Cytogenetic location: 12p13.1.
Variant type: single nucleotide variant.
Coding change: c.512A>G on transcript NM_004064.5 (MANE Select); coding-DNA position 512, A replaced by G.
Protein change: p.Glu171Gly; replaces glutamic acid 171 with glycine.
Molecular consequence: missense variant.
Genome position (GRCh38, 1-based): chr12:12,718,861, A>G. VCF-style: chr12-12718861-A-G. GRCh37 (hg19) VCF-style: chr12-12871795-A-G.
Other names: short protein forms E171G.
Identifiers: ClinVar variation 1745526 (VCV001745526.3), dbSNP rs2497407520, ClinGen allele CA383972844.

ClinVar aggregate classification (germline): Uncertain significance. Review status: criteria provided, multiple submitters, no conflicts (2 of 4 stars). 2 submissions from 2 submitters: Uncertain significance (2). Last evaluated 2023-05-06.

Conditions:
Multiple endocrine neoplasia type 4. Also called: MULTIPLE ENDOCRINE NEOPLASIA, TYPE IV. Identifiers: Orphanet 276152, MedGen C1970712, MONDO:0012552, OMIM 610755.
Hereditary cancer-predisposing syndrome. Also called: Neoplastic Syndromes, Hereditary; Tumor predisposition; Hereditary Cancer Syndrome; Hereditary neoplastic syndrome. Identifiers: Orphanet 140162, MedGen C0027672, MeSH D009386, MONDO:0015356.

Submissions (2):

Baylor Genetics
Classification: Uncertain significance for Multiple endocrine neoplasia type 4. Last evaluated: 2023-05-06. Review status: criteria provided, single submitter. Criteria: ACMG Guidelines, 2015. Collection method: clinical testing. Allele origin: unknown.

Ambry Genetics
Classification: Uncertain significance for Hereditary cancer-predisposing syndrome. Last evaluated: 2022-05-09. Review status: criteria provided, single submitter. Criteria: Ambry Variant Classification Scheme 2023. Collection method: clinical testing. Allele origin: germline.
Comment: The p.E171G variant (also known as c.512A>G), located in coding exon 2 of the CDKN1B gene, results from an A to G substitution at nucleotide position 512. The glutamic acid at codon 171 is replaced by glycine, an amino acid with similar properties. This amino acid position is conserved. In addition, this alteration is predicted to be tolerated by in silico analysis. Since supporting evidence is limited at this time, the clinical significance of this alteration remains unclear.